The following is an entry in ClinVar:

ClinVar aggregate classification (germline): Uncertain significance (1 of 4 stars; one submission).

Allele frequency attached by ClinVar (database versions not stated): 1000 Genomes Project 30x 0.00016.
gnomAD v4.1: 86 of 764,298 alleles (0.011%); highest among the groups gnomAD compares: Admixed American, 0.047%; no homozygotes.

Submission:

Labcorp Genetics (formerly Invitae), Labcorp
Classification: Uncertain significance. Last evaluated: 2022-10-24. Review status: criteria provided, single submitter. Criteria: Invitae Variant Classification Sherloc (09022015). Collection method: clinical testing. Allele origin: germline.
Comment: This variant occurs in the SNORD118 gene, which encodes an RNA molecule that does not result in a protein product. This variant is present in population databases (rs201397948, gnomAD 0.07%). This variant has not been reported in the literature in individuals affected with SNORD118-related conditions. Experimental studies and prediction algorithms are not available or were not evaluated, and the functional significance of this variant is currently unknown. In summary, the available evidence is currently insufficient to determine the role of this variant in disease. Therefore, it has been classified as a Variant of Uncertain Significance.

NR_033294.2(SNORD118):n.123G>T

Genes: SNORD118 (small nucleolar RNA, C/D box 118; minus strand), TMEM107 (transmembrane protein 107; minus strand). Cytogenetic location: 17p13.1.
Variant type: single nucleotide variant.
Molecular consequence: non-coding transcript variant (on NR_033294.2). On other transcripts: 3 prime UTR variant (5).
Genome position: GRCh38 VCF-style: chr17-8173466-C-A. GRCh37 (hg19) VCF-style: chr17-8076784-C-A.
Other names: c.*737G>T (NM_001351278.2, NM_001351279.2, NM_001351280.2 and 2 more transcripts).
Identifiers: ClinVar variation 1910546 (VCV001910546.2), dbSNP rs201397948, ClinGen allele CA8370585.
Genomic context (GRCh38, chr17:8,173,466, plus strand): 5'-GATATCTGCTAATCAGCATAACACAAATGTAAGTGATCGTCAGAAAGAATCAGACAGGAG[C>A]AATCAGGGTGTTGCAAGTCCTGATTACGCAGAGACGTTAATCACGTTTCATGCATCTCCA-3'